The following is an entry in ClinVar:

NM_000071.3(CBS):c.1304T>C (p.Ile435Thr)

Gene: CBS (cystathionine beta-synthase; minus strand). Cytogenetic location: 21q22.3.
Variant type: single nucleotide variant.
Coding change: c.1304T>C on transcript NM_000071.3 (MANE Select); coding-DNA position 1304, T replaced by C.
Protein change: p.Ile435Thr; replaces isoleucine 435 with threonine.
Molecular consequence: missense variant.
Genome position (GRCh38, 1-based): chr21:43,058,888, A>G on the plus strand (T>C on the coding strand, the complement: CBS is on the minus strand). VCF-style: chr21-43058888-A-G. GRCh37 (hg19) VCF-style: chr21-44478998-A-G.
Other names: c.1304T>C, p.Ile435Thr (NM_001178008.3, NM_001178009.3, NM_001320298.2); c.989T>C, p.Ile330Thr (NM_001321072.1); short protein forms I435T, I330T.
Identifiers: ClinVar variation 551308 (VCV000551308.3), dbSNP rs1282119406, ClinGen allele CA410397108.
Genomic context (GRCh38, chr21:43,058,888, plus strand): 5'-ACTGACCCCGCCTCATCCACCACGGGCGCCTGGTCGAAGCCCTTCTCCCGGAGGATCTCG[A>G]TGGTGTGCCCACAGGTGATGGTCGGGAGCACGGTCAGCGGGGCTGACAGGCCCAGCTCCT-3'
Protein context (NP_000062.1, residues 425-445): VLPTITCGHT[Ile435Thr]EILREKGFDQ

ClinVar aggregate classification (germline): Uncertain significance. Review status: criteria provided, single submitter (1 of 4 stars). 2 submissions from 2 submitters: Uncertain significance (1). 1 of the submissions does not count toward it. Last evaluated 2026-08-20.

Conditions:
Familial thoracic aortic aneurysm and aortic dissection (TAAD). Also called: Thoracic aortic aneurysms and dissections. Identifiers: Orphanet 91387, MedGen C4707243, MONDO:0019625.
Classic homocystinuria. Also called: Homocystinuria due to Cystathionine Beta-Synthase Deficiency; Homocystinuria due to CBS deficiency; Cystathionine beta-synthase deficiency; CBS deficiency; HOMOCYSTINURIA WITH OR WITHOUT RESPONSE TO PYRIDOXINE. Identifiers: Orphanet 394, MedGen C0751202, MONDO:0009352, OMIM 236200.

Submissions (2):

Ambry Genetics
Classification: Uncertain significance for Familial thoracic aortic aneurysm and aortic dissection. Last evaluated: 2026-08-20. Review status: criteria provided, single submitter. Criteria: Ambry Variant Classification Scheme 2023. Collection method: clinical testing. Allele origin: germline.
Comment: The p.I435T variant (also known as c.1304T>C), located in coding exon 12 of the CBS gene, results from a T to C substitution at nucleotide position 1304. The isoleucine at codon 435 is replaced by threonine, an amino acid with similar properties. This variant was reported in individual(s) with features consistent with homocystinuria (Kraus JP et al. Hum Mutat, 1999;13:362-75). In multiple assays testing CBS function, this variant showed functionally indeterminant results (Maclean KN et al. Hum Mutat, 2002 Jun;19:641-55; Mayfield JA et al. Genetics, 2012 Apr;190:1309-23). This amino acid position is well conserved in available vertebrate species. In addition, this alteration is predicted to be deleterious by in silico analysis. Based on the available evidence, the clinical significance of this variant remains unclear.

Counsyl
Classification: Uncertain significance for Classic homocystinuria. Last evaluated: 2017-04-04. Review status: no assertion criteria provided. Collection method: clinical testing. Allele origin: unknown. Not counted in ClinVar's aggregate classification.

Literature cited by the submitters: PubMed 10338090 (cited by Ambry Genetics); PubMed 12007221 (cited by Ambry Genetics and Counsyl); PubMed 22267502 (cited by Ambry Genetics).